The following is an entry in ClinVar:

NM_000617.3(SLC11A2):c.*153A>G

Gene: SLC11A2 (solute carrier family 11 member 2; minus strand). Cytogenetic location: 12q13.12.
Variant type: single nucleotide variant.
Coding change: c.*153A>G on transcript NM_000617.3 (MANE Select); 153 bases downstream of the stop codon, A replaced by G.
Molecular consequence: 3 prime UTR variant. On other transcripts: non-coding transcript variant (4), intron variant (8).
Genome position (GRCh38, 1-based): chr12:50,988,172, T>C on the plus strand (A>G on the coding strand, the complement: SLC11A2 is on the minus strand). VCF-style: chr12-50988172-T-C. GRCh37 (hg19) VCF-style: chr12-51381955-T-C.
Other names: c.*153A>G (NM_001174125.2, NM_001174128.2, NM_001174129.2 and 6 more transcripts); c.1716+210A>G (NM_001379446.1); c.1518+210A>G (NM_001414747.1); c.1629+210A>G (NM_001174127.2, NM_001174126.2, NM_001379447.2); c.*25+128A>G (NM_001414744.1, NM_001414746.1); c.1617+210A>G (NM_001379448.1).
Identifiers: ClinVar variation 309301 (VCV000309301.5), dbSNP rs146016854, ClinGen allele CA6566405.

ClinVar aggregate classification (germline): Likely benign (1 of 4 stars; one submission).

Conditions:
Microcytic anemia with liver iron overload. Also called: Anemia, hypochromic microcytic, with iron overload 1. Identifiers: Orphanet 83642, MedGen C3806153, MONDO:0008787, OMIM 206100.

Allele frequency attached by ClinVar (database versions not stated): gnomAD exomes 0.00009 and 0.00024; gnomAD 0.00012 and 0.00022; ExAC 0.00021; TOPMed 0.00021; 1000 Genomes Project 30x 0.00031; 1000 Genomes Project 0.00040.
gnomAD v4.1: 163 of 1,534,984 alleles (0.011%); highest among the groups gnomAD compares: East Asian, 0.3%; 1 homozygote.

Submission:

Illumina Laboratory Services, Illumina
Classification: Likely benign for Microcytic anemia with liver iron overload. Last evaluated: 2018-01-13. Review status: criteria provided, single submitter. Criteria: ICSL Variant Classification Criteria 13 December 2019. Collection method: clinical testing. Allele origin: germline.
Comment: This variant was observed in the ICSL laboratory as part of a predisposition screen in an ostensibly healthy population. It had not been previously curated by ICSL or reported in the Human Gene Mutation Database (HGMD: prior to June 1st, 2018), and was therefore a candidate for classification through an automated scoring system. Utilizing variant allele frequency, disease prevalence and penetrance estimates, and inheritance mode, an automated score was calculated to assess if this variant is too frequent to cause the disease. Based on the score and internal cut-off values, a variant classified as likely benign is not then subjected to further curation. The score for this variant resulted in a classification of likely benign for this disease.